The following is an entry in ClinVar:

NM_001276270.2(MBD4):c.1133G>A (p.Arg378His)

Gene: MBD4 (methyl-CpG binding domain 4, DNA glycosylase; minus strand). Cytogenetic location: 3q21.3.
Variant type: single nucleotide variant.
Coding change: c.1133G>A on transcript NM_001276270.2 (MANE Select); coding-DNA position 1133, G replaced by A.
Protein change: p.Arg378His; replaces arginine 378 with histidine.
Molecular consequence: missense variant. On other transcripts: intron variant (1).
Genome position (GRCh38, 1-based): chr3:129,436,511, C>T on the plus strand (G>A on the coding strand, the complement: MBD4 is on the minus strand). VCF-style: chr3-129436511-C-T. GRCh37 (hg19) VCF-style: chr3-129155354-C-T.
Other names: c.1133G>A, p.Arg378His (NM_001276271.2, NM_001276272.2, NM_003925.3); c.247+1297G>A (NM_001276273.2); short protein forms R378H.
Identifiers: ClinVar variation 3674650 (VCV003674650.3).

ClinVar aggregate classification (germline): Uncertain significance. Review status: criteria provided, multiple submitters, no conflicts (2 of 4 stars). 2 submissions from 2 submitters: Uncertain significance (2). Last evaluated 2025-02-15.

Conditions:
Inborn genetic diseases. Identifiers: MedGen C0950123, MeSH D030342.

gnomAD v4.1: 10 of 1,614,008 alleles (0.00062%); highest among the groups gnomAD compares: Admixed American, 0.0033%; no homozygotes.

Submissions (2):

Ambry Genetics
Classification: Uncertain significance for Inborn genetic diseases. Last evaluated: 2025-02-15. Review status: criteria provided, single submitter. Criteria: Ambry Variant Classification Scheme 2023. Collection method: clinical testing. Allele origin: germline.
Comment: The p.R378H variant (also known as c.1133G>A), located in coding exon 3 of the MBD4 gene, results from a G to A substitution at nucleotide position 1133. The arginine at codon 378 is replaced by histidine, an amino acid with highly similar properties. This amino acid position is conserved. In addition, this alteration is predicted to be tolerated by in silico analysis. Based on the available evidence, the clinical significance of this variant remains unclear.

Labcorp Genetics (formerly Invitae), Labcorp
Classification: Uncertain significance. Last evaluated: 2025-01-23. Review status: criteria provided, single submitter. Criteria: Invitae Variant Classification Sherloc (09022015). Collection method: clinical testing. Allele origin: germline.
Comment: This sequence change replaces arginine, which is basic and polar, with histidine, which is basic and polar, at codon 378 of the MBD4 protein (p.Arg378His). This variant is present in population databases (no rsID available, gnomAD 0.003%). This variant has not been reported in the literature in individuals affected with MBD4-related conditions. An algorithm developed to predict the effect of missense changes on protein structure and function outputs the following: PolyPhen-2: "Benign". The histidine amino acid residue is found in multiple mammalian species, which suggests that this missense change does not adversely affect protein function. In summary, the available evidence is currently insufficient to determine the role of this variant in disease. Therefore, it has been classified as a Variant of Uncertain Significance.